The following is an entry in ClinVar:

ClinVar aggregate classification (germline): Uncertain significance (1 of 4 stars; one submission).

Conditions:
Cardiovascular phenotype. Identifiers: MedGen CN230736.

Submission:

Ambry Genetics
Classification: Uncertain significance for Cardiovascular phenotype. Last evaluated: 2025-07-13. Review status: criteria provided, single submitter. Criteria: Ambry Variant Classification Scheme 2023. Collection method: clinical testing. Allele origin: germline.
Comment: The p.P139R variant (also known as c.416C>G), located in coding exon 1 of the RASA1 gene, results from a C to G substitution at nucleotide position 416. The proline at codon 139 is replaced by arginine, an amino acid with dissimilar properties. This amino acid position is conserved. In addition, this alteration is predicted to be tolerated by in silico analysis. Based on the available evidence, the clinical significance of this variant remains unclear.

NM_002890.3(RASA1):c.416C>G (p.Pro139Arg)

Gene: RASA1 (RAS p21 protein activator 1; plus strand). Cytogenetic location: 5q14.3.
Variant type: single nucleotide variant.
Coding change: c.416C>G on transcript NM_002890.3 (MANE Select); coding-DNA position 416, C replaced by G.
Protein change: p.Pro139Arg; replaces proline 139 with arginine.
Molecular consequence: missense variant.
Genome position (GRCh38, 1-based): chr5:87,268,867, C>G. VCF-style: chr5-87268867-C-G. GRCh37 (hg19) VCF-style: chr5-86564684-C-G.
Other names: short protein forms P139R.
Identifiers: ClinVar variation 4150719 (VCV004150719.1).